The following is an entry in ClinVar:

NC_000009.11:g.(?_113496521)_(113524498_?)dup

Gene: MUSK (muscle associated receptor tyrosine kinase; plus strand). Cytogenetic location: 9q31.3.
Variant type: Duplication.
Identifiers: ClinVar variation 1068328 (VCV001068328.8).

ClinVar aggregate classification (germline): Likely pathogenic (1 of 4 stars; one submission).

Conditions:
Congenital myasthenic syndrome 9. Also called: Myasthenic syndrome, congenital, 9, associated with acetylcholine receptor deficiency. Identifiers: Orphanet 590, MedGen C4225368, MONDO:0014587, OMIM 616325.
Fetal akinesia deformation sequence 1 (FADS1). Also called: Fetal akinesia sequence; Pena-Shokeir syndrome type I. Identifiers: Orphanet 994, MedGen C1276035, MONDO:0100101, OMIM 208150, HP:0001989.

Submission:

Labcorp Genetics (formerly Invitae), Labcorp
Classification: Likely pathogenic for Congenital myasthenic syndrome 9; Fetal akinesia deformation sequence 1. Last evaluated: 2021-08-12. Review status: criteria provided, single submitter. Criteria: Invitae Variant Classification Sherloc (09022015). Collection method: clinical testing. Allele origin: germline.
Comment: This variant results in a copy number gain of the genomic region encompassing exon(s) 6-8 of the MUSK gene. While the exact position of this variant cannot be determined from the data, sub-genic copy number gains are generally in tandem (PMID: 25640679). This variant is predicted to be out-of-frame, and may result in an absent or disrupted protein product. Loss-of-function variants in MUSK are known to be pathogenic (PMID: 8653786, 25612909, 25695962, 25900532). A similar copy number variant has been observed in individual(s) with clinical features of MUSK-related conditions (Invitae). In summary, the currently available evidence indicates that the variant is pathogenic, but additional data are needed to prove that conclusively. Therefore, this variant has been classified as Likely Pathogenic.

Literature cited by the submitters: PubMed 25640679; PubMed 8653786; PubMed 25612909; PubMed 25695962; PubMed 25900532.